The following is an entry in ClinVar:

ClinVar aggregate classification (germline): Uncertain significance. Review status: criteria provided, multiple submitters, no conflicts (2 of 4 stars). 3 submissions from 3 submitters: Uncertain significance (2). 1 of the submissions does not count toward it. Last evaluated 2024-12-31.

Conditions:
ANKRD26-related disorder. Also called: ANKRD26-related condition.
Inborn genetic diseases. Identifiers: MedGen C0950123, MeSH D030342.

Allele frequency attached by ClinVar (database versions not stated): gnomAD exomes 0.00003; TOPMed 0.00002; gnomAD 0.00002; ExAC 0.00007.
gnomAD v4.1: 41 of 1,613,870 alleles (0.0025%); highest among the groups gnomAD compares: Non-Finnish European, 0.0034%; no homozygotes.

Submissions (3):

Ambry Genetics
Classification: Uncertain significance for Inborn genetic diseases. Last evaluated: 2024-12-31. Review status: criteria provided, single submitter. Criteria: Ambry Variant Classification Scheme 2023. Collection method: clinical testing. Allele origin: germline.
Comment: The p.L1588F variant (also known as c.4762C>T), located in coding exon 32 of the ANKRD26 gene, results from a C to T substitution at nucleotide position 4762. The leucine at codon 1588 is replaced by phenylalanine, an amino acid with highly similar properties. This amino acid position is conserved. In addition, this alteration is predicted to be tolerated by in silico analysis. Based on the available evidence, the clinical significance of this variant remains unclear.

GeneDx
Classification: Uncertain significance. Last evaluated: 2022-01-11. Review status: criteria provided, single submitter. Criteria: GeneDx Variant Classification Process June 2021. Collection method: clinical testing. Allele origin: germline. Affected: yes.
Comment: In silico analysis supports that this missense variant does not alter protein structure/function; Has not been previously published as pathogenic or benign to our knowledge

PreventionGenetics, part of Exact Sciences
Classification: Uncertain significance for ANKRD26-related condition. Last evaluated: 2024-03-14. Review status: no assertion criteria provided. Collection method: clinical testing. Allele origin: germline. Not counted in ClinVar's aggregate classification.
Comment: The ANKRD26 c.4762C>T variant is predicted to result in the amino acid substitution p.Leu1588Phe. To our knowledge, this variant has not been reported in the literature. This variant is reported in 0.0071% of alleles in individuals of European (Non-Finnish) descent in gnomAD. At this time, the clinical significance of this variant is uncertain due to the absence of conclusive functional and genetic evidence.

NM_014915.3(ANKRD26):c.4762C>T (p.Leu1588Phe)

Gene: ANKRD26 (ankyrin repeat domain containing 26; minus strand). Cytogenetic location: 10p12.1.
Variant type: single nucleotide variant.
Coding change: c.4762C>T on transcript NM_014915.3 (MANE Select); coding-DNA position 4762, C replaced by T.
Protein change: p.Leu1588Phe; replaces leucine 1588 with phenylalanine.
Molecular consequence: missense variant.
Genome position (GRCh38, 1-based): chr10:27,013,073, G>A on the plus strand (C>T on the coding strand, the complement: ANKRD26 is on the minus strand). VCF-style: chr10-27013073-G-A. GRCh37 (hg19) VCF-style: chr10-27302002-G-A.
Other names: c.4759C>T, p.Leu1587Phe (NM_001256053.2); short protein forms L1587F, L1588F.
Identifiers: ClinVar variation 1695806 (VCV001695806.4), dbSNP rs778242497, ClinGen allele CA5447722.